The following is an entry in ClinVar:

ClinVar aggregate classification (germline): Likely benign (1 of 4 stars; one submission).

Allele frequency attached by ClinVar (database versions not stated): 1000 Genomes Project 0.00200; 1000 Genomes Project 30x 0.00234; ExAC 0.00261; ESP Exome Variant Server 0.00300; gnomAD 0.00311; TOPMed 0.00383; gnomAD exomes 0.00428.
gnomAD v4.1: 6,504 of 1,572,616 alleles (0.41%); highest among the groups gnomAD compares: Admixed American, 0.55%; 29 homozygotes.

Submission:

CeGaT Center for Human Genetics Tuebingen
Classification: Likely benign. Last evaluated: 2022-04-01. Review status: criteria provided, single submitter. Criteria: CeGaT Center For Human Genetics Tuebingen Variant Classification Criteria Version 2. Collection method: clinical testing. Allele origin: germline. Affected: yes. Observed: 1 variant allele.
Comment: BSN: BP4, BP7

NM_003458.4(BSN):c.5844G>A (p.Glu1948=)

Gene: BSN (bassoon presynaptic cytomatrix protein; plus strand). Cytogenetic location: 3p21.31.
Variant type: single nucleotide variant.
Coding change: c.5844G>A on transcript NM_003458.4 (MANE Select); coding-DNA position 5844, G replaced by A.
Protein change: p.Glu1948=; no amino-acid change (glutamic acid 1948 retained).
Molecular consequence: synonymous variant.
Genome position (GRCh38, 1-based): chr3:49,655,400, G>A. VCF-style: chr3-49655400-G-A. GRCh37 (hg19) VCF-style: chr3-49692833-G-A.
Identifiers: ClinVar variation 2653836 (VCV002653836.24), dbSNP rs138243476, ClinGen allele CA2400385.